The following is an entry in ClinVar:

NM_000202.8(IDS):c.922G>T (p.Asp308Tyr)

Genes: IDS (iduronate 2-sulfatase; minus strand), LOC106050102 (IDS recombination region; plus strand). Cytogenetic location: Xq28.
Variant type: single nucleotide variant.
Coding change: c.922G>T on transcript NM_000202.8 (MANE Select); coding-DNA position 922, G replaced by T.
Protein change: p.Asp308Tyr; replaces aspartic acid 308 with tyrosine.
Molecular consequence: missense variant. On other transcripts: non-coding transcript variant (1).
Genome position (GRCh38, 1-based): chrX:149,490,398, C>A on the plus strand (G>T on the coding strand, the complement: IDS is on the minus strand). VCF-style: chrX-149490398-C-A. GRCh37 (hg19) VCF-style: chrX-148571929-C-A.
Other names: c.652G>T, p.Asp218Tyr (NM_001166550.4); c.922G>T, p.Asp308Tyr (NM_006123.5); short protein forms D218Y, D308Y.
Identifiers: ClinVar variation 3255881 (VCV003255881.2).

ClinVar aggregate classification (germline): Pathogenic (1 of 4 stars; one submission).

Conditions:
Mucopolysaccharidosis, MPS-II (MPS2). Also called: Hunter Syndrome; IDURONATE 2-SULFATASE DEFICIENCY; Mucopolysaccharidosis Type II; Mucopolysaccharidosis type 2; Attenuated MPS (subtype; formerly known as mild MPS II); Severe MPS II. Identifiers: Orphanet 580, Orphanet 79388, MedGen C0026705, MONDO:0010674, OMIM 309900.

Submission:

Laboratory of Diagnosis and Therapy of Lysosomal Disorders, University of Padova
Classification: Pathogenic for Mucopolysaccharidosis, MPS-II. Last evaluated: 2024-06-07. Review status: criteria provided, single submitter. Criteria: ACMG Guidelines, 2015. Collection method: literature only. Allele origin: germline. Affected: yes. Observed: 1 variant allele.
Comment: Absent from controls (or at low frequency) in gnomAD database (PM2_Moderate), Missense change at the same amino acid residue as a pathogenic variant (PM5_Moderate), Missense variant in a gene with a low rate of benign missense variation (PP2_Supporting), Multiple lines of computational evidence support a deleterious effect (PP3_Supporting), Patient’s phenotype or family history highly specific for the disease (PP4_Strong)

Classification method: ACMG Guidelines [PMID:25741868] with modifications

Literature cited by the submitters: PubMed 15192834.